The following is an entry in ClinVar:

ClinVar aggregate classification (germline): Likely pathogenic (1 of 4 stars; one submission).

Conditions:
Pigmented nodular adrenocortical disease, primary, 2 (PPNAD2). Also called: CUSHING SYNDROME, ADRENAL, DUE TO PPNAD2; PIGMENTED MICRONODULAR ADRENOCORTICAL DISEASE, PRIMARY, 2. Identifiers: Orphanet 189439, MedGen C1864851, MONDO:0012505, OMIM 610475.

Submission:

Dasa
Classification: Likely pathogenic for Pigmented nodular adrenocortical disease, primary, 2. Last evaluated: 2025-12-17. Review status: criteria provided, single submitter. Criteria: DASA Assertion Criteria. Collection method: clinical testing. Allele origin: germline.
Comment: NM_016953.4(PDE11A):c.356_359del (p.Lys119Serfs*2) is a frameshift variant in PDE11A predicted to alter the reading frame and introduce a premature termination codon and is predicted to result in an absent or altered protein product. Loss of function is an established disease mechanism for PDE11A-associated disorders. Also, this variant is rare in population databases. Based on the currently available evidence, this variant is classified as likely pathogenic.

NM_016953.4(PDE11A):c.356_359del (p.Lys119fs)

Gene: PDE11A (phosphodiesterase 11A; minus strand). Cytogenetic location: 2q31.2.
Variant type: Deletion.
Coding change: c.356_359del on transcript NM_016953.4 (MANE Select); coding-DNA positions 356 to 359, 4 bases deleted (AAGA; older notation c.356_359delAAGA).
Protein change: p.Lys119fs; shifts the reading frame from lysine 119.
Molecular consequence: frameshift variant. On other transcripts: intron variant (1).
Genome position (GRCh38, 1-based): chr2:178,072,079-178,072,082, TCTT deleted on the plus strand (AAGA on the coding strand, the reverse complement: PDE11A is on the minus strand); deleting any 4 consecutive bases within chr2:178,072,079-178,072,085 gives the same sequence; the c. name uses the placement nearest the transcript's 3' end. VCF-style (leftmost placement, unchanged base first): chr2-178072078-CTCTT-C. GRCh37 (hg19) VCF-style: chr2-178936805-CTCTT-C.
Other names: c.162+32220_162+32223del (NM_001077197.2); short protein forms K119fs.
Identifiers: ClinVar variation 4880739 (VCV004880739.2).